The following is an entry in ClinVar:

NM_001172509.2(SATB2):c.1735G>T (p.Val579Leu)

Gene: SATB2 (SATB homeobox 2; minus strand). Cytogenetic location: 2q33.1.
Variant type: single nucleotide variant.
Coding change: c.1735G>T on transcript NM_001172509.2 (MANE Select); coding-DNA position 1735, G replaced by T.
Protein change: p.Val579Leu; replaces valine 579 with leucine.
Molecular consequence: missense variant.
Genome position (GRCh38, 1-based): chr2:199,308,765, C>A on the plus strand (G>T on the coding strand, the complement: SATB2 is on the minus strand). VCF-style: chr2-199308765-C-A. GRCh37 (hg19) VCF-style: chr2-200173488-C-A.
Other names: c.1735G>T, p.Val579Leu (NM_001172517.1, NM_015265.4); short protein forms V579L.
Identifiers: ClinVar variation 2701837 (VCV002701837.4), dbSNP rs2468838869, ClinGen allele CA350384253.

ClinVar aggregate classification (germline): Uncertain significance (1 of 4 stars; one submission).

Conditions:
Chromosome 2q32-q33 deletion syndrome (GLASS). Also called: Glass syndrome; 2q33.1 deletion syndrome. Identifiers: Orphanet 251019, MedGen C2676739, MONDO:0012864, OMIM 612313.

Submissions (2):

Labcorp Genetics (formerly Invitae), Labcorp
Classification: Uncertain significance for Chromosome 2q32-q33 deletion syndrome. Last evaluated: 2023-12-09. Review status: criteria provided, single submitter. Criteria: Invitae Variant Classification Sherloc (09022015). Collection method: clinical testing. Allele origin: germline.
Comment: This sequence change replaces valine, which is neutral and non-polar, with leucine, which is neutral and non-polar, at codon 579 of the SATB2 protein (p.Val579Leu). This variant is not present in population databases (gnomAD no frequency). This variant has not been reported in the literature in individuals affected with SATB2-related conditions. Advanced modeling of protein sequence and biophysical properties (such as structural, functional, and spatial information, amino acid conservation, physicochemical variation, residue mobility, and thermodynamic stability) performed at Invitae indicates that this missense variant is not expected to disrupt SATB2 protein function with a negative predictive value of 80%. In summary, the available evidence is currently insufficient to determine the role of this variant in disease. Therefore, it has been classified as a Variant of Uncertain Significance.

Dr. Peter K. Rogan Lab, Western University
No classification provided (evidence only). Condition: Lung cancer. Review status: no classification provided. Collection method: in vitro. Allele origin: not applicable. Functional consequence: retained intron. Not counted in ClinVar's aggregate classification.